The following is an entry in ClinVar:

ClinVar aggregate classification (germline): Likely benign (1 of 4 stars; one submission).

Conditions:
PLXNA1-related disorder. Also called: PLXNA1-related condition.

gnomAD v4.1: 27 of 1,612,938 alleles (0.0017%); highest among the groups gnomAD compares: South Asian, 0.0022%; no homozygotes.

Submission:

PreventionGenetics, part of Exact Sciences
Classification: Likely benign for PLXNA1-related condition. Last evaluated: 2026-05-24. Review status: criteria provided, single submitter. Criteria: ACMG Guidelines, 2015. Collection method: clinical testing. Allele origin: germline.
Comment: This variant is classified as likely benign based on ACMG/AMP sequence variant interpretation guidelines (Richards et al. 2015 PMID: 25741868, with internal and published modifications).

NM_032242.4(PLXNA1):c.2703C>T (p.Arg901=)

Gene: PLXNA1 (plexin A1; plus strand). Cytogenetic location: 3q21.3.
Variant type: single nucleotide variant.
Coding change: c.2703C>T on transcript NM_032242.4 (MANE Select); coding-DNA position 2703, C replaced by T.
Protein change: p.Arg901=; no amino-acid change (arginine 901 retained).
Molecular consequence: synonymous variant.
Genome position (GRCh38, 1-based): chr3:127,014,576, C>T. VCF-style: chr3-127014576-C-T. GRCh37 (hg19) VCF-style: chr3-126733419-C-T.
Identifiers: ClinVar variation 4986782 (VCV004986782.1).
Genomic context (GRCh38, chr3:127,014,576, plus strand): 5'-GCTCACTATCACAGGCGAGAACCTGGGCCTGCGATTCGAAGACGTGCGTCTGGGCGTGCG[C>T]GTGGGCAAGGTGCTGTGCAGCCCTGTGGAGAGCGAGTACATCAGTGCGGAGCAGTGAGTG-3'
Protein context (NP_115618.3, residues 891-911): LRFEDVRLGV[Arg901=]VGKVLCSPVE